The following is an entry in ClinVar:

NM_000059.4(BRCA2):c.181C>A (p.Leu61Ile)

Gene: BRCA2 (BRCA2 DNA repair associated; plus strand). Cytogenetic location: 13q13.1.
Variant type: single nucleotide variant.
Coding change: c.181C>A on transcript NM_000059.4 (MANE Select); coding-DNA position 181, C replaced by A.
Protein change: p.Leu61Ile; replaces leucine 61 with isoleucine.
Molecular consequence: missense variant.
Genome position (GRCh38, 1-based): chr13:32,319,190, C>A. VCF-style: chr13-32319190-C-A. GRCh37 (hg19) VCF-style: chr13-32893327-C-A.
Other names: c.181C>A, p.Leu61Ile (NM_001406719.1, NM_001406720.1, NM_001406721.1); c.-189C>A (NM_001406722.1); short protein forms L61I.
Identifiers: ClinVar variation 1780733 (VCV001780733.5), dbSNP rs771011731, ClinGen allele CA387754346.

ClinVar aggregate classification (germline): Uncertain significance. Review status: criteria provided, multiple submitters, no conflicts (2 of 4 stars). 2 submissions from 2 submitters: Uncertain significance (2). Last evaluated 2025-12-08.

Conditions:
Hereditary cancer-predisposing syndrome. Also called: Neoplastic Syndromes, Hereditary; Tumor predisposition; Hereditary Cancer Syndrome; Hereditary neoplastic syndrome. Identifiers: Orphanet 140162, MedGen C0027672, MeSH D009386, MONDO:0015356.
Hereditary breast ovarian cancer syndrome. Also called: Hereditary breast and ovarian cancer; Hereditary breast and ovarian cancer syndrome; Breast and ovarian cancer; Hereditary breast and/or ovarian cancer syndrome; BRCA1- and BRCA2-Associated Hereditary Breast and Ovarian Cancer; Hereditary breast and ovarian cancer syndrome (HBOC). Identifiers: Orphanet 145, MedGen C0677776, MeSH D061325, MONDO:0003582. Disease mechanism: loss of function.

Submissions (2):

Labcorp Genetics (formerly Invitae), Labcorp
Classification: Uncertain significance for Hereditary breast ovarian cancer syndrome. Last evaluated: 2025-12-08. Review status: criteria provided, single submitter. Criteria: Invitae Variant Classification Sherloc (09022015). Collection method: clinical testing. Allele origin: germline.
Comment: This sequence change replaces leucine, which is neutral and non-polar, with isoleucine, which is neutral and non-polar, at codon 61 of the BRCA2 protein (p.Leu61Ile). This variant is not present in population databases (gnomAD no frequency). This variant has not been reported in the literature in individuals affected with BRCA2-related conditions. ClinVar contains an entry for this variant (Variation ID: 1780733). Invitae Evidence Modeling of protein sequence and biophysical properties (such as structural, functional, and spatial information, amino acid conservation, physicochemical variation, residue mobility, and thermodynamic stability) indicates that this missense variant is not expected to disrupt BRCA2 protein function with a negative predictive value of 95%. In summary, the available evidence is currently insufficient to determine the role of this variant in disease. Therefore, it has been classified as a Variant of Uncertain Significance.

Ambry Genetics
Classification: Uncertain significance for Hereditary cancer-predisposing syndrome. Last evaluated: 2021-04-06. Review status: criteria provided, single submitter. Criteria: Ambry Variant Classification Scheme 2023. Collection method: clinical testing. Allele origin: germline.
Comment: The p.L61I variant (also known as c.181C>A), located in coding exon 2 of the BRCA2 gene, results from a C to A substitution at nucleotide position 181. The leucine at codon 61 is replaced by isoleucine, an amino acid with highly similar properties. This amino acid position is not well conserved in available vertebrate species. In addition, this alteration is predicted to be tolerated by in silico analysis. Since supporting evidence is limited at this time, the clinical significance of this alteration remains unclear.